The following is an entry in ClinVar:

ClinVar aggregate classification (germline): Uncertain significance (1 of 4 stars; one submission).

Conditions:
Tuberous sclerosis 1 (TSC1). Identifiers: Orphanet 805, MedGen C1854465, MONDO:0008612, OMIM 191100.

Submission:

Labcorp Genetics (formerly Invitae), Labcorp
Classification: Uncertain significance for Tuberous sclerosis 1. Last evaluated: 2024-08-15. Review status: criteria provided, single submitter. Criteria: Invitae Variant Classification Sherloc (09022015). Collection method: clinical testing. Allele origin: germline.
Comment: This sequence change creates a premature translational stop signal (p.Ser1012Thrfs*77) in the TSC1 gene. While this is not anticipated to result in nonsense mediated decay, it is expected to disrupt the last 153 amino acid(s) of the TSC1 protein. This variant is not present in population databases (gnomAD no frequency). This variant has not been reported in the literature in individuals affected with TSC1-related conditions. Experimental studies and prediction algorithms are not available or were not evaluated, and the functional significance of this variant is currently unknown. In summary, the available evidence is currently insufficient to determine the role of this variant in disease. Therefore, it has been classified as a Variant of Uncertain Significance.

NM_000368.5(TSC1):c.3033_3039del (p.Ser1012fs)

Gene: TSC1 (TSC complex subunit 1; minus strand). Cytogenetic location: 9q34.13.
Variant type: Deletion.
Coding change: c.3033_3039del on transcript NM_000368.5 (MANE Select); coding-DNA positions 3033 to 3039, 7 bases deleted (ATCTGGC; older notation c.3033_3039delATCTGGC).
Protein change: p.Ser1012fs; shifts the reading frame from serine 1012.
Molecular consequence: frameshift variant. On other transcripts: non-coding transcript variant (5).
Genome position (GRCh38, 1-based): chr9:132,896,691-132,896,697, GCCAGAT deleted on the plus strand (ATCTGGC on the coding strand, the reverse complement: TSC1 is on the minus strand); deleting any 7 consecutive bases within chr9:132,896,691-132,896,700 gives the same sequence; the c. name uses the placement nearest the transcript's 3' end. VCF-style (leftmost placement, unchanged base first): chr9-132896690-GGCCAGAT-G. GRCh37 (hg19) VCF-style: chr9-135772077-GGCCAGAT-G.
Other names: c.3030_3036del, p.Ser1011fs (NM_001162426.2, NM_001406597.1, NM_001406598.1 and 2 more transcripts); c.2880_2886del, p.Ser961fs (NM_001162427.2, NM_001406610.1); c.2670_2676del, p.Ser891fs (NM_001362177.2, NM_001406614.1, NM_001406615.1 and 4 more transcripts); c.3033_3039del, p.Ser1012fs (NM_001406592.1, NM_001406593.1, NM_001406594.1 and 2 more transcripts); c.3018_3024del, p.Ser1007fs (NM_001406601.1, NM_001406602.1); c.2877_2883del, p.Ser960fs (NM_001406612.1, NM_001406611.1); c.2835_2841del, p.Ser946fs (NM_001406613.1); c.2667_2673del, p.Ser890fs (NM_001406620.1, NM_001406621.1, NM_001406622.1 and 1 more transcripts); and 8 more; short protein forms S1007fs, S1012fs, S694fs, S695fs, S877fs, S960fs, S890fs, S891fs.
Identifiers: ClinVar variation 3662504 (VCV003662504.2).